The following is an entry in ClinVar:

NM_001018113.3(FANCB):c.581A>G (p.Glu194Gly)

Gene: FANCB (FA complementation group B; minus strand). Cytogenetic location: Xp22.2.
Variant type: single nucleotide variant.
Coding change: c.581A>G on transcript NM_001018113.3 (MANE Select); coding-DNA position 581, A replaced by G.
Protein change: p.Glu194Gly; replaces glutamic acid 194 with glycine.
Molecular consequence: missense variant.
Genome position (GRCh38, 1-based): chrX:14,864,930, T>C on the plus strand (A>G on the coding strand, the complement: FANCB is on the minus strand). VCF-style: chrX-14864930-T-C. GRCh37 (hg19) VCF-style: chrX-14883052-T-C.
Other names: c.581A>G, p.Glu194Gly (NM_001324162.2, NM_001410764.1, NM_152633.4); short protein forms E194G.
Identifiers: ClinVar variation 3670022 (VCV003670022.2).

ClinVar aggregate classification (germline): Uncertain significance (1 of 4 stars; one submission).

Conditions:
Fanconi anemia (FA). Also called: Fanconi's anemia. Identifiers: Orphanet 84, MedGen C0015625, MeSH D005199, MONDO:0019391.

Submission:

Labcorp Genetics (formerly Invitae), Labcorp
Classification: Uncertain significance for Fanconi anemia. Last evaluated: 2024-02-28. Review status: criteria provided, single submitter. Criteria: Invitae Variant Classification Sherloc (09022015). Collection method: clinical testing. Allele origin: germline.
Comment: This sequence change replaces glutamic acid, which is acidic and polar, with glycine, which is neutral and non-polar, at codon 194 of the FANCB protein (p.Glu194Gly). This variant is not present in population databases (gnomAD no frequency). This variant has not been reported in the literature in individuals affected with FANCB-related conditions. Advanced modeling of protein sequence and biophysical properties (such as structural, functional, and spatial information, amino acid conservation, physicochemical variation, residue mobility, and thermodynamic stability) performed at Invitae indicates that this missense variant is not expected to disrupt FANCB protein function with a negative predictive value of 80%. In summary, the available evidence is currently insufficient to determine the role of this variant in disease. Therefore, it has been classified as a Variant of Uncertain Significance.